The following is an entry in ClinVar:

ClinVar aggregate classification (germline): Uncertain significance (1 of 4 stars; one submission).

Conditions:
Hereditary cancer-predisposing syndrome. Also called: Neoplastic Syndromes, Hereditary; Tumor predisposition; Hereditary Cancer Syndrome; Hereditary neoplastic syndrome. Identifiers: Orphanet 140162, MedGen C0027672, MeSH D009386, MONDO:0015356.

gnomAD v4.1: 1 of 1,613,604 alleles (0.000062%); highest among the groups gnomAD compares: Non-Finnish European, 0.000085%; no homozygotes.

Submission:

Ambry Genetics
Classification: Uncertain significance for Hereditary cancer-predisposing syndrome. Last evaluated: 2025-05-23. Review status: criteria provided, single submitter. Criteria: Ambry Variant Classification Scheme 2023. Collection method: clinical testing. Allele origin: germline.
Comment: The p.R1324S variant (also known as c.3970C>A), located in coding exon 31 of the POLE gene, results from a C to A substitution at nucleotide position 3970. The arginine at codon 1324 is replaced by serine, an amino acid with dissimilar properties. This amino acid position is conserved. In addition, the in silico prediction for this alteration is inconclusive. Since supporting evidence is limited at this time, the clinical significance of this alteration remains unclear.

NM_006231.4(POLE):c.3970C>A (p.Arg1324Ser)

Gene: POLE (DNA polymerase epsilon, catalytic subunit; minus strand). Cytogenetic location: 12q24.33.
Variant type: single nucleotide variant.
Coding change: c.3970C>A on transcript NM_006231.4 (MANE Select); coding-DNA position 3970, C replaced by A.
Protein change: p.Arg1324Ser; replaces arginine 1324 with serine.
Molecular consequence: missense variant.
Genome position (GRCh38, 1-based): chr12:132,649,341, G>T on the plus strand (C>A on the coding strand, the complement: POLE is on the minus strand). VCF-style: chr12-132649341-G-T. GRCh37 (hg19) VCF-style: chr12-133225927-G-T.
Other names: short protein forms R1324S.
Identifiers: ClinVar variation 1736614 (VCV001736614.3), dbSNP rs779464847, ClinGen allele CA387384801.